The following is an entry in ClinVar:

ClinVar aggregate classification (germline): Uncertain significance (1 of 4 stars; one submission).

gnomAD v4.1: 8 of 1,614,104 alleles (0.0005%); highest among the groups gnomAD compares: South Asian, 0.0088%; no homozygotes.

Submission:

Labcorp Genetics (formerly Invitae), Labcorp
Classification: Uncertain significance. Last evaluated: 2022-10-17. Review status: criteria provided, single submitter. Criteria: Invitae Variant Classification Sherloc (09022015). Collection method: clinical testing. Allele origin: germline.
Comment: This sequence change replaces asparagine, which is neutral and polar, with lysine, which is basic and polar, at codon 652 of the CNGA3 protein (p.Asn652Lys). This variant is present in population databases (rs749868323, gnomAD 0.01%). This variant has not been reported in the literature in individuals affected with CNGA3-related conditions. ClinVar contains an entry for this variant (Variation ID: 1483234). Advanced modeling of protein sequence and biophysical properties (such as structural, functional, and spatial information, amino acid conservation, physicochemical variation, residue mobility, and thermodynamic stability) performed at Invitae indicates that this missense variant is not expected to disrupt CNGA3 protein function. In summary, the available evidence is currently insufficient to determine the role of this variant in disease. Therefore, it has been classified as a Variant of Uncertain Significance.

NM_001298.3(CNGA3):c.1956C>A (p.Asn652Lys)

Gene: CNGA3 (cyclic nucleotide gated channel subunit alpha 3; plus strand). Cytogenetic location: 2q11.2.
Variant type: single nucleotide variant.
Coding change: c.1956C>A on transcript NM_001298.3 (MANE Select); coding-DNA position 1956, C replaced by A.
Protein change: p.Asn652Lys; replaces asparagine 652 with lysine.
Molecular consequence: missense variant.
Genome position (GRCh38, 1-based): chr2:98,397,126, C>A. VCF-style: chr2-98397126-C-A. GRCh37 (hg19) VCF-style: chr2-99013589-C-A.
Other names: c.1902C>A, p.Asn634Lys (NM_001079878.2); short protein forms N634K, N652K.
Identifiers: ClinVar variation 1483234 (VCV001483234.3), dbSNP rs749868323, ClinGen allele CA1794122.